The following is an entry in ClinVar:

ClinVar aggregate classification (germline): Conflicting classifications of pathogenicity. Review status: criteria provided, conflicting classifications (1 of 4 stars). 2 submissions from 2 submitters: Uncertain significance (1); Likely benign (1). Last evaluated 2024-10-16.

Conditions:
Lethal osteosclerotic bone dysplasia (RNS). Also called: Osteomalacia, sclerosing, with cerebral calcification. Identifiers: Orphanet 1832, MedGen C1850106, MONDO:0009821, OMIM 259775.

gnomAD v4.1: 9 of 1,555,676 alleles (0.00058%); highest among the groups gnomAD compares: Non-Finnish European, 0.00078%; no homozygotes.

Submissions (2):

Labcorp Genetics (formerly Invitae), Labcorp
Classification: Likely benign. Last evaluated: 2024-10-16. Review status: criteria provided, single submitter. Criteria: Invitae Variant Classification Sherloc (09022015). Collection method: clinical testing. Allele origin: germline.

Laboratorio de Genetica e Diagnostico Molecular, Hospital Israelita Albert Einstein
Classification: Uncertain significance for Lethal osteosclerotic bone dysplasia. Last evaluated: 2021-08-04. Review status: criteria provided, single submitter. Criteria: ACMG Guidelines, 2015. Collection method: clinical testing. Allele origin: germline. Affected: yes.
Comment: ACMG classification criteria: PM2 moderate

NM_020223.4(FAM20C):c.600G>C (p.Pro200=)

Gene: FAM20C (FAM20C golgi associated secretory pathway kinase; plus strand). Cytogenetic location: 7p22.3.
Variant type: single nucleotide variant.
Coding change: c.600G>C on transcript NM_020223.4 (MANE Select); coding-DNA position 600, G replaced by C.
Protein change: p.Pro200=; no amino-acid change (proline 200 retained).
Molecular consequence: synonymous variant.
Genome position (GRCh38, 1-based): chr7:193,799, G>C. VCF-style: chr7-193799-G-C. GRCh37 (hg19) VCF-style: chr7-193799-G-C.
Identifiers: ClinVar variation 1649913 (VCV001649913.10), dbSNP rs201631664, ClinGen allele CA4108920.